The following is an entry in ClinVar:

ClinVar aggregate classification (germline): Pathogenic/Likely pathogenic. Review status: criteria provided, multiple submitters, no conflicts (2 of 4 stars). 4 submissions from 4 submitters: Pathogenic (2); Likely pathogenic (2). Last evaluated 2026-10-06.

Conditions:
Developmental and epileptic encephalopathy, 42 (DEE42A). Also called: Epileptic encephalopathy, early infantile, 42; DEVELOPMENTAL AND EPILEPTIC ENCEPHALOPATHY 42A; EPILEPTIC ENCEPHALOPATHY, EARLY INFANTILE, 42A. Identifiers: MedGen C4310716, MONDO:0014917, OMIM 617106.
Episodic ataxia type 2 (EA2). Also called: ATAXIA, EPISODIC, WITH NYSTAGMUS; ATAXIA, FAMILIAL PAROXYSMAL; CEREBELLAR ATAXIA, PAROXYSMAL, ACETAZOLAMIDE-RESPONSIVE; CEREBELLOPATHY, HEREDITARY PAROXYSMAL; EPISODIC ATAXIA, NYSTAGMUS-ASSOCIATED; ACETAZOLAMIDE-RESPONSIVE HEREDITARY PAROXYSMAL CEREBELLAR ATAXIA. Identifiers: Orphanet 97, MedGen C1720416, MONDO:0007163, OMIM 108500.
Albinism or congenital nystagmus.

Submissions (4):

NHS Central & South Genomic Laboratory Hub
Classification: Pathogenic for Albinism or congenital nystagmus. Last evaluated: 2026-10-06. Review status: criteria provided, single submitter. Criteria: ACMG Guidelines, 2015. Collection method: clinical testing. Allele origin: germline. Affected: yes.

Labcorp Genetics (formerly Invitae), Labcorp
Classification: Likely pathogenic for Developmental and epileptic encephalopathy, 42; Episodic ataxia type 2. Last evaluated: 2025-07-13. Review status: criteria provided, single submitter. Criteria: Invitae Variant Classification Sherloc (09022015). Collection method: clinical testing. Allele origin: germline.
Comment: This sequence change affects a donor splice site in intron 8 of the CACNA1A gene. It is expected to disrupt RNA splicing. Variants that disrupt the donor or acceptor splice site typically lead to a loss of protein function (PMID: 16199547), and loss-of-function variants in CACNA1A are known to be pathogenic (PMID: 10371528, 19486177, 25735478, 27250579). This variant is not present in population databases (gnomAD no frequency). This variant has not been reported in the literature in individuals affected with CACNA1A-related conditions. ClinVar contains an entry for this variant (Variation ID: 373626). Algorithms developed to predict the effect of sequence changes on RNA splicing suggest that this variant may disrupt the consensus splice site. In summary, the currently available evidence indicates that the variant is pathogenic, but additional data are needed to prove that conclusively. Therefore, this variant has been classified as Likely Pathogenic.

Athena Diagnostics
Classification: Pathogenic. Last evaluated: 2022-03-17. Review status: criteria provided, single submitter. Criteria: Athena Diagnostics Criteria. Collection method: clinical testing. Allele origin: unknown.
Comment: This variant is expected to severely impact normal RNA splicing, and consequently, protein structure and/or function. This variant has not been reported in large, multi-ethnic general populations. This variant has been identified in at least one individual tested at Athena Diagnostics with clinical features associated with this gene.

GeneDx
Classification: Likely pathogenic. Last evaluated: 2016-12-07. Review status: criteria provided, single submitter. Criteria: GeneDx Variant Classification (06012015). Collection method: clinical testing. Allele origin: germline. Affected: yes.
Comment: A novel c.1198+1 G>A variant that is likely pathogenic has been identified in the CACNA1A gene. The c.1198+1 G>A variant has not been published as a pathogenic variant, nor has it been reported as a benign variant to our knowledge. The c.1198+1 G>A variant is not observed in large population cohorts (Lek et al., 2016; 1000 Genomes Consortium et al., 2015; Exome Variant Server). The c.1198+1 G>A splice site variant destroys the canonical splice donor site in intron 8. It is predicted to cause abnormal gene splicing, either leading to an abnormal message that is subject to nonsense-mediated mRNA decay, or to an abnormal protein product if the message is used for protein translation. Therefore, this variant is likely pathogenic; however, the possibility that it is benign cannot be excluded.

Literature cited by the submitters: PubMed 16199547 (cited by Labcorp Genetics (formerly Invitae), Labcorp); PubMed 10371528 (cited by Labcorp Genetics (formerly Invitae), Labcorp); PubMed 19486177 (cited by Labcorp Genetics (formerly Invitae), Labcorp); PubMed 25735478 (cited by Labcorp Genetics (formerly Invitae), Labcorp); PubMed 27250579 (cited by Labcorp Genetics (formerly Invitae), Labcorp).

NM_001127222.2(CACNA1A):c.1198+1G>A

Gene: CACNA1A (calcium voltage-gated channel subunit alpha1 A; minus strand). Cytogenetic location: 19p13.13.
Variant type: single nucleotide variant.
Coding change: c.1198+1G>A on transcript NM_001127222.2 (MANE Select); the canonical splice donor site of the intron after coding-DNA position 1198, G replaced by A.
Molecular consequence: splice donor variant.
Genome position (GRCh38, 1-based): chr19:13,334,377, C>T on the plus strand (G>A on the coding strand, the complement: CACNA1A is on the minus strand). VCF-style: chr19-13334377-C-T. GRCh37 (hg19) VCF-style: chr19-13445191-C-T.
Other names: c.1198+1G>A (NM_001127221.2, NM_001174080.2, NM_000068.4 and 1 more transcripts).
Identifiers: ClinVar variation 373626 (VCV000373626.11), dbSNP rs1057518513, ClinGen allele CA16043177.
Genomic context (GRCh38, chr19:13,334,377, plus strand): 5'-TCTCTTTGTACTCCGTGGCCTGGGATCTCCATCCCTGGGCCCCAGGATGAAAGGGCCTCA[C>T]CTGCTTTTGAGATCCACTCCATGTACCCATTGAGCTCACGTTCAATCTGTTGTTGCCGCC-3'